The following is an entry in ClinVar:

NM_052947.4(ALPK2):c.2401G>A (p.Val801Met)

Gene: ALPK2 (alpha kinase 2; minus strand). Cytogenetic location: 18q21.31.
Variant type: single nucleotide variant.
Coding change: c.2401G>A on transcript NM_052947.4 (MANE Select); coding-DNA position 2401, G replaced by A.
Protein change: p.Val801Met; replaces valine 801 with methionine.
Molecular consequence: missense variant.
Genome position (GRCh38, 1-based): chr18:58,537,786, C>T on the plus strand (G>A on the coding strand, the complement: ALPK2 is on the minus strand). VCF-style: chr18-58537786-C-T. GRCh37 (hg19) VCF-style: chr18-56205018-C-T.
Other names: short protein forms V801M.
Identifiers: ClinVar variation 1790742 (VCV001790742.2), dbSNP rs936299642, ClinGen allele CA300927648.

ClinVar aggregate classification (germline): Uncertain significance (1 of 4 stars; one submission).

Allele frequency attached by ClinVar (database versions not stated): gnomAD exomes below 0.00001; TOPMed 0.00001; gnomAD 0.00002.
gnomAD v4.1: 10 of 1,614,052 alleles (0.00062%); highest among the groups gnomAD compares: African/African-American, 0.011%; no homozygotes.

Submission:

Ambry Genetics
Classification: Uncertain significance. Last evaluated: 2024-02-27. Review status: criteria provided, single submitter. Criteria: Ambry Variant Classification Scheme 2023. Collection method: clinical testing. Allele origin: germline.
Comment: The p.V801M variant (also known as c.2401G>A), located in coding exon 4 of the ALPK2 gene, results from a G to A substitution at nucleotide position 2401. The valine at codon 801 is replaced by methionine, an amino acid with highly similar properties. This amino acid position is conserved. In addition, this alteration is predicted to be tolerated by in silico analysis. Since supporting evidence is limited at this time, the clinical significance of this alteration remains unclear.